The following is an entry in ClinVar:

ClinVar aggregate classification (germline): Uncertain significance. Review status: criteria provided, multiple submitters, no conflicts (2 of 4 stars). 2 submissions from 2 submitters: Uncertain significance (2). Last evaluated 2023-03-14.

Conditions:
Monogenic diabetes. Identifiers: Orphanet 183625, MedGen C3888631, MONDO:0015967.

Allele frequency attached by ClinVar (database versions not stated): ExAC 0.00001; gnomAD 0.00001; TOPMed 0.00001; gnomAD exomes 0.00002; 1000 Genomes Project 30x 0.00016; 1000 Genomes Project 0.00020.
gnomAD v4.1: 29 of 1,614,136 alleles (0.0018%); highest among the groups gnomAD compares: Admixed American, 0.0033%; no homozygotes.

Submissions (2):

Labcorp Genetics (formerly Invitae), Labcorp
Classification: Uncertain significance. Last evaluated: 2023-03-14. Review status: criteria provided, single submitter. Criteria: Invitae Variant Classification Sherloc (09022015). Collection method: clinical testing. Allele origin: germline.
Comment: This sequence change replaces arginine, which is basic and polar, with tryptophan, which is neutral and slightly polar, at codon 238 of the BLK protein (p.Arg238Trp). This variant is present in population databases (rs575123730, gnomAD 0.003%). In summary, the available evidence is currently insufficient to determine the role of this variant in disease. Therefore, it has been classified as a Variant of Uncertain Significance. An algorithm developed to predict the effect of missense changes on protein structure and function (PolyPhen-2) suggests that this variant is likely to be tolerated. ClinVar contains an entry for this variant (Variation ID: 549526). This variant has not been reported in the literature in individuals affected with BLK-related conditions.

Personalized Diabetes Medicine Program, University of Maryland School of Medicine
Classification: Uncertain significance for Monogenic diabetes. Last evaluated: 2017-07-27. Review status: criteria provided, single submitter. Criteria: ACMG Guidelines, 2015. Collection method: research. Allele origin: unknown. Observed: 1 variant allele, 1 heterozygote. Study: Personalized Diabetes Medicine Program.
Comment: ACMG Criteria:PP3 (7 predictors), BP4 (3 predictors)

NM_001715.3(BLK):c.712C>T (p.Arg238Trp)

Genes: BLK (BLK proto-oncogene, Src family tyrosine kinase), BLK-AS1 (BLK antisense RNA 1). Cytogenetic location: 8p23.1.
Variant type: single nucleotide variant.
Coding change: c.712C>T on transcript NM_001715.3 (MANE Select); coding-DNA position 712, C replaced by T.
Protein change: p.Arg238Trp; replaces arginine 238 with tryptophan.
Molecular consequence: missense variant.
Genome position (GRCh38, 1-based): chr8:11,555,424, C>T. VCF-style: chr8-11555424-C-T. GRCh37 (hg19) VCF-style: chr8-11412933-C-T.
Other names: c.499C>T, p.Arg167Trp (NM_001330465.2); short protein forms R238W, R167W.
Identifiers: ClinVar variation 549526 (VCV000549526.6), dbSNP rs575123730, ClinGen allele CA4630049.